The following is an entry in ClinVar:

NM_000195.5(HPS1):c.*916G>A

Gene: HPS1 (HPS1 biogenesis of lysosomal organelles complex 3 subunit 1; minus strand). Cytogenetic location: 10q24.2.
Variant type: single nucleotide variant.
Coding change: c.*916G>A on transcript NM_000195.5 (MANE Select); 916 bases downstream of the stop codon, G replaced by A.
Molecular consequence: 3 prime UTR variant.
Genome position (GRCh38, 1-based): chr10:98,416,648, C>T on the plus strand (G>A on the coding strand, the complement: HPS1 is on the minus strand). VCF-style: chr10-98416648-C-T. GRCh37 (hg19) VCF-style: chr10-100176405-C-T.
Other names: c.*916G>A (NM_001311345.2, NM_001322476.2, NM_001322477.2 and 10 more transcripts).
Identifiers: ClinVar variation 298318 (VCV000298318.5), dbSNP rs114082441, ClinGen allele CA10629586.

ClinVar aggregate classification (germline): Benign (1 of 4 stars; one submission).

Conditions:
Hermansky-Pudlak syndrome 1 (HPS1). Also called: DELTA STORAGE POOL DISEASE. Identifiers: Orphanet 231500, Orphanet 79430, MedGen C2931875, MONDO:0008748, OMIM 203300.

Allele frequency attached by ClinVar (database versions not stated): gnomAD 0.00478 and 0.00522; 1000 Genomes Project 0.00519; TOPMed 0.00532; 1000 Genomes Project 30x 0.00593.

Submission:

Illumina Laboratory Services, Illumina
Classification: Benign for Hermansky-Pudlak syndrome 1. Last evaluated: 2018-01-12. Review status: criteria provided, single submitter. Criteria: ICSL Variant Classification Criteria 13 December 2019. Collection method: clinical testing. Allele origin: germline.
Comment: This variant was observed in the ICSL laboratory as part of a predisposition screen in an ostensibly healthy population. It had not been previously curated by ICSL or reported in the Human Gene Mutation Database (HGMD: prior to June 1st, 2018), and was therefore a candidate for classification through an automated scoring system. Utilizing variant allele frequency, disease prevalence and penetrance estimates, and inheritance mode, an automated score was calculated to assess if this variant is too frequent to cause the disease. Based on the score and internal cut-off values, a variant classified as benign is not then subjected to further curation. The score for this variant resulted in a classification of benign for this disease.